The following is an entry in ClinVar:

NM_032380.5(GFM2):c.145C>A (p.Pro49Thr)

Gene: GFM2 (GTP dependent ribosome recycling factor mitochondrial 2; minus strand). Cytogenetic location: 5q13.3.
Variant type: single nucleotide variant.
Coding change: c.145C>A on transcript NM_032380.5 (MANE Select); coding-DNA position 145, C replaced by A.
Protein change: p.Pro49Thr; replaces proline 49 with threonine.
Molecular consequence: missense variant. On other transcripts: non-coding transcript variant (1).
Genome position (GRCh38, 1-based): chr5:74,760,905, G>T on the plus strand (C>A on the coding strand, the complement: GFM2 is on the minus strand). VCF-style: chr5-74760905-G-T. GRCh37 (hg19) VCF-style: chr5-74056730-G-T.
Other names: c.241C>A, p.Pro81Thr (NM_001281302.2); c.145C>A, p.Pro49Thr (NM_170681.3, NM_170691.3); short protein forms P49T, P81T.
Identifiers: ClinVar variation 1974186 (VCV001974186.5), dbSNP rs2479024481, ClinGen allele CA360064137.

ClinVar aggregate classification (germline): Uncertain significance (1 of 4 stars; one submission).

Submission:

Labcorp Genetics (formerly Invitae), Labcorp
Classification: Uncertain significance. Last evaluated: 2023-10-13. Review status: criteria provided, single submitter. Criteria: Invitae Variant Classification Sherloc (09022015). Collection method: clinical testing. Allele origin: germline.
Comment: This sequence change replaces proline, which is neutral and non-polar, with threonine, which is neutral and polar, at codon 49 of the GFM2 protein (p.Pro49Thr). This variant is not present in population databases (gnomAD no frequency). This variant has not been reported in the literature in individuals affected with GFM2-related conditions. ClinVar contains an entry for this variant (Variation ID: 1974186). An algorithm developed to predict the effect of missense changes on protein structure and function (PolyPhen-2) suggests that this variant is likely to be tolerated. In summary, the available evidence is currently insufficient to determine the role of this variant in disease. Therefore, it has been classified as a Variant of Uncertain Significance.